The following is an entry in ClinVar:

NM_153614.4(DNAJB13):c.632T>G (p.Ile211Ser)

Gene: DNAJB13 (DnaJ heat shock protein family (Hsp40) member B13; plus strand). Cytogenetic location: 11q13.4.
Variant type: single nucleotide variant.
Coding change: c.632T>G on transcript NM_153614.4 (MANE Select); coding-DNA position 632, T replaced by G.
Protein change: p.Ile211Ser; replaces isoleucine 211 with serine.
Molecular consequence: missense variant.
Genome position (GRCh38, 1-based): chr11:73,968,370, T>G. VCF-style: chr11-73968370-T-G. GRCh37 (hg19) VCF-style: chr11-73679415-T-G.
Other names: c.458T>G, p.Ile153Ser (NM_001377263.1); short protein forms I211S, I153S.
Identifiers: ClinVar variation 2116607 (VCV002116607.4), dbSNP rs2495993483, ClinGen allele CA381808835.

ClinVar aggregate classification (germline): Uncertain significance (1 of 4 stars; one submission).

Allele frequency attached by ClinVar (database versions not stated): gnomAD exomes below 0.00001.
gnomAD v4.1: 4 of 1,614,102 alleles (0.00025%); highest among the groups gnomAD compares: Non-Finnish European, 0.00034%; no homozygotes.

Submission:

Labcorp Genetics (formerly Invitae), Labcorp
Classification: Uncertain significance. Last evaluated: 2022-03-24. Review status: criteria provided, single submitter. Criteria: Invitae Variant Classification Sherloc (09022015). Collection method: clinical testing. Allele origin: germline.
Comment: In summary, the available evidence is currently insufficient to determine the role of this variant in disease. Therefore, it has been classified as a Variant of Uncertain Significance. Algorithms developed to predict the effect of missense changes on protein structure and function (SIFT, PolyPhen-2, Align-GVGD) all suggest that this variant is likely to be disruptive. This variant has not been reported in the literature in individuals affected with DNAJB13-related conditions. This variant is not present in population databases (gnomAD no frequency). This sequence change replaces isoleucine, which is neutral and non-polar, with serine, which is neutral and polar, at codon 211 of the DNAJB13 protein (p.Ile211Ser).